The following is an entry in ClinVar:

NM_025132.4(WDR19):c.1810G>T (p.Val604Phe)

Gene: WDR19 (WD repeat domain 19; plus strand). Cytogenetic location: 4p14.
Variant type: single nucleotide variant.
Coding change: c.1810G>T on transcript NM_025132.4 (MANE Select); coding-DNA position 1810, G replaced by T.
Protein change: p.Val604Phe; replaces valine 604 with phenylalanine.
Molecular consequence: missense variant.
Genome position (GRCh38, 1-based): chr4:39,228,518, G>T. VCF-style: chr4-39228518-G-T. GRCh37 (hg19) VCF-style: chr4-39230138-G-T.
Other names: c.1330G>T, p.Val444Phe (NM_001317924.2); short protein forms V444F, V604F.
Identifiers: ClinVar variation 1401594 (VCV001401594.8), dbSNP rs1245108212, ClinGen allele CA356632969.

ClinVar aggregate classification (germline): Uncertain significance (1 of 4 stars; one submission).

Conditions:
Asphyxiating thoracic dystrophy 5 (SRTD5). Also called: SHORT-RIB THORACIC DYSPLASIA 5 WITH OR WITHOUT POLYDACTYLY; SHORT-RIB THORACIC DYSPLASIA 5 WITHOUT POLYDACTYLY. Identifiers: Orphanet 474, MedGen C3280598, MONDO:0013717, OMIM 614376.
Senior-Loken syndrome 8 (SLSN8). Identifiers: Orphanet 3156, MedGen C4225376, MONDO:0014579, OMIM 616307.

Submission:

Labcorp Genetics (formerly Invitae), Labcorp
Classification: Uncertain significance for Senior-Loken syndrome 8; Asphyxiating thoracic dystrophy 5. Last evaluated: 2021-06-18. Review status: criteria provided, single submitter. Criteria: Invitae Variant Classification Sherloc (09022015). Collection method: clinical testing. Allele origin: germline.
Comment: In summary, the available evidence is currently insufficient to determine the role of this variant in disease. Therefore, it has been classified as a Variant of Uncertain Significance. Algorithms developed to predict the effect of missense changes on protein structure and function are either unavailable or do not agree on the potential impact of this missense change (SIFT: "Deleterious"; PolyPhen-2: "Benign"; Align-GVGD: "Class C0"). This variant has not been reported in the literature in individuals with WDR19-related conditions. This variant is not present in population databases (ExAC no frequency). This sequence change replaces valine with phenylalanine at codon 604 of the WDR19 protein (p.Val604Phe). The valine residue is weakly conserved and there is a small physicochemical difference between valine and phenylalanine.